The following is an entry in ClinVar:

ClinVar aggregate classification (germline): Uncertain significance (1 of 4 stars; one submission).

Conditions:
Cardiovascular phenotype. Identifiers: MedGen CN230736.

Submission:

Ambry Genetics
Classification: Uncertain significance for Cardiovascular phenotype. Last evaluated: 2022-12-25. Review status: criteria provided, single submitter. Criteria: Ambry Variant Classification Scheme 2023. Collection method: clinical testing. Allele origin: germline.
Comment: The p.C616G variant (also known as c.1846T>G), located in coding exon 2 of the TNXB gene, results from a T to G substitution at nucleotide position 1846. The cysteine at codon 616 is replaced by glycine, an amino acid with highly dissimilar properties. This amino acid position is conserved. In addition, the in silico prediction for this alteration is inconclusive. Since supporting evidence is limited at this time, the clinical significance of this alteration remains unclear.

NM_001365276.2(TNXB):c.1846T>G (p.Cys616Gly)

Gene: TNXB (tenascin XB; minus strand). Cytogenetic location: 6p21.33.
Variant type: single nucleotide variant.
Coding change: c.1846T>G on transcript NM_001365276.2 (MANE Select); coding-DNA position 1846, T replaced by G.
Protein change: p.Cys616Gly; replaces cysteine 616 with glycine.
Molecular consequence: missense variant.
Genome position (GRCh38, 1-based): chr6:32,096,007, A>C on the plus strand (T>G on the coding strand, the complement: TNXB is on the minus strand). VCF-style: chr6-32096007-A-C. GRCh37 (hg19) VCF-style: chr6-32063784-A-C.
Other names: c.1846T>G, p.Cys616Gly (NM_019105.8); short protein forms C616G.
Identifiers: ClinVar variation 2451149 (VCV002451149.2), dbSNP rs1423333838, ClinGen allele CA363476601.